The following is an entry in ClinVar:

ClinVar aggregate classification (germline): Uncertain significance (1 of 4 stars; one submission).

gnomAD v4.1: 1 of 1,614,104 alleles (0.000062%); highest among the groups gnomAD compares: South Asian, 0.0011%; no homozygotes.

Submission:

Labcorp Genetics (formerly Invitae), Labcorp
Classification: Uncertain significance. Last evaluated: 2025-10-31. Review status: criteria provided, single submitter. Criteria: Invitae Variant Classification Sherloc (09022015). Collection method: clinical testing. Allele origin: germline.
Comment: This sequence change replaces proline, which is neutral and non-polar, with serine, which is neutral and polar, at codon 332 of the REN protein (p.Pro332Ser). This variant is not present in population databases (gnomAD no frequency). This variant has not been reported in the literature in individuals affected with REN-related conditions. Invitae Evidence Modeling of protein sequence and biophysical properties (such as structural, functional, and spatial information, amino acid conservation, physicochemical variation, residue mobility, and thermodynamic stability) indicates that this missense variant is not expected to disrupt REN protein function with a negative predictive value of 80%. In summary, the available evidence is currently insufficient to determine the role of this variant in disease. Therefore, it has been classified as a Variant of Uncertain Significance.

NM_000537.4(REN):c.994C>T (p.Pro332Ser)

Gene: REN (renin; minus strand). Cytogenetic location: 1q32.1.
Variant type: single nucleotide variant.
Coding change: c.994C>T on transcript NM_000537.4 (MANE Select); coding-DNA position 994, C replaced by T.
Protein change: p.Pro332Ser; replaces proline 332 with serine.
Molecular consequence: missense variant.
Genome position (GRCh38, 1-based): chr1:204,155,885, G>A on the plus strand (C>T on the coding strand, the complement: REN is on the minus strand). VCF-style: chr1-204155885-G-A. GRCh37 (hg19) VCF-style: chr1-204125013-G-A.
Other names: short protein forms P332S.
Identifiers: ClinVar variation 4742843 (VCV004742843.1).